The following is an entry in ClinVar:

NM_145038.5(DRC1):c.1358C>G (p.Ser453Cys)

Gene: DRC1 (dynein regulatory complex subunit 1; plus strand). Cytogenetic location: 2p23.3.
Variant type: single nucleotide variant.
Coding change: c.1358C>G on transcript NM_145038.5 (MANE Select); coding-DNA position 1358, C replaced by G.
Protein change: p.Ser453Cys; replaces serine 453 with cysteine.
Molecular consequence: missense variant.
Genome position (GRCh38, 1-based): chr2:26,444,910, C>G. VCF-style: chr2-26444910-C-G. GRCh37 (hg19) VCF-style: chr2-26667778-C-G.
Other names: c.1358C>G (NM_145038.2); short protein forms S453C.
Identifiers: ClinVar variation 641574 (VCV000641574.9), dbSNP rs780100027, ClinGen allele CA1562204.
Genomic context (GRCh38, chr2:26,444,910, plus strand): 5'-CAGCACCTGATTTCTGGTTCCTGAACAATGTTGGGCCTATTTCTCAGCAGCCCCAGAAGT[C>G]CGCCACACAGATAGTAGAAGAAATGCTTATGCGCTCAGGTGACTAGAACACTGTCATAGA-3'
Protein context (NP_659475.2, residues 443-463): VGPISQQPQK[Ser453Cys]ATQIVEEMLM

ClinVar aggregate classification (germline): Uncertain significance. Review status: criteria provided, multiple submitters, no conflicts (2 of 4 stars). 2 submissions from 2 submitters: Uncertain significance (2). Last evaluated 2025-03-09.

Conditions:
Inborn genetic diseases. Identifiers: MedGen C0950123, MeSH D030342.
Primary ciliary dyskinesia. Also called: Ciliary dyskinesia. Identifiers: Orphanet 244, MedGen C0008780, MONDO:0016575, HP:0012265.

Allele frequency attached by ClinVar (database versions not stated): ExAC 0.00002; gnomAD exomes 0.00002; TOPMed 0.00004; gnomAD 0.00007.
gnomAD v4.1: 30 of 1,614,050 alleles (0.0019%); highest among the groups gnomAD compares: Non-Finnish European, 0.0025%; no homozygotes.

Submissions (2):

Ambry Genetics
Classification: Uncertain significance for Inborn genetic diseases. Last evaluated: 2025-03-09. Review status: criteria provided, single submitter. Criteria: Ambry Variant Classification Scheme 2023. Collection method: clinical testing. Allele origin: germline.

Labcorp Genetics (formerly Invitae), Labcorp
Classification: Uncertain significance for Primary ciliary dyskinesia. Last evaluated: 2024-10-15. Review status: criteria provided, single submitter. Criteria: Invitae Variant Classification Sherloc (09022015). Collection method: clinical testing. Allele origin: germline.
Comment: This sequence change replaces serine, which is neutral and polar, with cysteine, which is neutral and slightly polar, at codon 453 of the DRC1 protein (p.Ser453Cys). This variant is present in population databases (rs780100027, gnomAD 0.006%). This variant has not been reported in the literature in individuals affected with DRC1-related conditions. ClinVar contains an entry for this variant (Variation ID: 641574). An algorithm developed to predict the effect of missense changes on protein structure and function (PolyPhen-2) suggests that this variant is likely to be disruptive. In summary, the available evidence is currently insufficient to determine the role of this variant in disease. Therefore, it has been classified as a Variant of Uncertain Significance.